The following is an entry in ClinVar:

NM_015213.4(DENND5A):c.292-2A>C

Gene: DENND5A (DENN domain containing 5A; minus strand). Cytogenetic location: 11p15.4.
Variant type: single nucleotide variant.
Coding change: c.292-2A>C on transcript NM_015213.4 (MANE Select); the canonical splice acceptor site of the intron before coding-DNA position 292, A replaced by C.
Molecular consequence: splice acceptor variant.
Genome position (GRCh38, 1-based): chr11:9,204,319, T>G on the plus strand (A>C on the coding strand, the complement: DENND5A is on the minus strand). VCF-style: chr11-9204319-T-G. GRCh37 (hg19) VCF-style: chr11-9225866-T-G.
Other names: c.220-2A>C (NM_001348749.2); c.292-2A>C (NM_001243254.2); c.4-2A>C (NM_001348750.2).
Identifiers: ClinVar variation 4724680 (VCV004724680.1).

ClinVar aggregate classification (germline): Likely pathogenic (1 of 4 stars; one submission).

Submission:

Labcorp Genetics (formerly Invitae), Labcorp
Classification: Likely pathogenic. Last evaluated: 2025-08-03. Review status: criteria provided, single submitter. Criteria: Invitae Variant Classification Sherloc (09022015). Collection method: clinical testing. Allele origin: germline.
Comment: This sequence change affects an acceptor splice site in intron 3 of the DENND5A gene. It is expected to disrupt RNA splicing. Variants that disrupt the donor or acceptor splice site typically lead to a loss of protein function (PMID: 16199547), and loss-of-function variants in DENND5A are known to be pathogenic (PMID: 27431290, 27866705). This variant is not present in population databases (gnomAD no frequency). This variant has not been reported in the literature in individuals affected with DENND5A-related conditions. Algorithms developed to predict the effect of sequence changes on RNA splicing suggest that this variant may disrupt the consensus splice site. In summary, the currently available evidence indicates that the variant is pathogenic, but additional data are needed to prove that conclusively. Therefore, this variant has been classified as Likely Pathogenic.

Literature cited by the submitters: PubMed 16199547; PubMed 27431290; PubMed 27866705.